The following is an entry in ClinVar:

NM_002878.4(RAD51D):c.481-3C>T

Genes: RAD51D (RAD51 paralog D; minus strand), RAD51L3-RFFL (RAD51L3-RFFL readthrough; minus strand). Cytogenetic location: 17q12.
Variant type: single nucleotide variant.
Coding change: c.481-3C>T on transcript NM_002878.4 (MANE Select); 3 bases into the intron before coding-DNA position 481, C replaced by T.
Molecular consequence: intron variant.
Genome position (GRCh38, 1-based): chr17:35,106,484, G>A on the plus strand (C>T on the coding strand, the complement: RAD51D is on the minus strand). VCF-style: chr17-35106484-G-A. GRCh37 (hg19) VCF-style: chr17-33433503-G-A.
Other names: c.145-3C>T (NM_133629.3); c.541-3C>T (NM_001142571.2).
Identifiers: ClinVar variation 4543366 (VCV004543366.1).

ClinVar aggregate classification (germline): Uncertain significance (1 of 4 stars; one submission).

Conditions:
Hereditary cancer-predisposing syndrome. Also called: Tumor predisposition; Hereditary Cancer Syndrome; Hereditary neoplastic syndrome; Neoplastic Syndromes, Hereditary. Identifiers: Orphanet 140162, MedGen C0027672, MeSH D009386, MONDO:0015356.

gnomAD v4.1: 1 of 1,609,180 alleles (0.000062%); highest among the groups gnomAD compares: Non-Finnish European, 0.000085%; no homozygotes.

Submission:

Ambry Genetics
Classification: Uncertain significance for Hereditary cancer-predisposing syndrome. Last evaluated: 2025-12-11. Review status: criteria provided, single submitter. Criteria: Ambry Variant Classification Scheme 2023. Collection method: clinical testing. Allele origin: germline.
Comment: The c.481-3C>T intronic variant results from a C to T substitution 3 nucleotides upstream from coding exon 6 in the RAD51D gene. This nucleotide position is well conserved in available vertebrate species. In silico splice site analysis predicts that this alteration will not have any significant effect on splicing. Based on the available evidence, the clinical significance of this variant remains unclear.